The following is an entry in ClinVar:

ClinVar aggregate classification (germline): Uncertain significance. Review status: criteria provided, multiple submitters, no conflicts (2 of 4 stars). 5 submissions from 5 submitters: Uncertain significance (5). Last evaluated 2025-10-02.

Conditions:
Inborn genetic diseases. Identifiers: MedGen C0950123, MeSH D030342.
Progressive sclerosing poliodystrophy (MTDPS4A). Also called: ALPERS DIFFUSE DEGENERATION OF CEREBRAL GRAY MATTER WITH HEPATIC CIRRHOSIS; Alpers-Huttenlocher Syndrome; ALPERS PROGRESSIVE INFANTILE POLIODYSTROPHY; NEURONAL DEGENERATION OF CHILDHOOD WITH LIVER DISEASE, PROGRESSIVE; Mitochondrial DNA Depletion Syndrome 4A; Alpers-Huttenlocher Syndrome (AHS). Identifiers: Orphanet 726, MedGen C0205710, MONDO:0008758, OMIM 203700.

Allele frequency attached by ClinVar (database versions not stated): gnomAD 0.00001; gnomAD exomes 0.00001 and 0.00003; ExAC 0.00002; TOPMed 0.00002.
gnomAD v4.1: 23 of 1,613,950 alleles (0.0014%); highest among the groups gnomAD compares: African/African-American, 0.004%; no homozygotes.

Submissions (5):

Labcorp Genetics (formerly Invitae), Labcorp
Classification: Uncertain significance for Progressive sclerosing poliodystrophy. Last evaluated: 2025-10-02. Review status: criteria provided, single submitter. Criteria: Invitae Variant Classification Sherloc (09022015). Collection method: clinical testing. Allele origin: germline.
Comment: This sequence change replaces arginine, which is basic and polar, with cysteine, which is neutral and slightly polar, at codon 823 of the POLG protein (p.Arg823Cys). This variant is present in population databases (rs757835879, gnomAD 0.005%). This variant has not been reported in the literature in individuals affected with POLG-related conditions. ClinVar contains an entry for this variant (Variation ID: 206524). Invitae Evidence Modeling of protein sequence and biophysical properties (such as structural, functional, and spatial information, amino acid conservation, physicochemical variation, residue mobility, and thermodynamic stability) indicates that this missense variant is expected to disrupt POLG protein function with a positive predictive value of 95%. In summary, the available evidence is currently insufficient to determine the role of this variant in disease. Therefore, it has been classified as a Variant of Uncertain Significance.

Athena Diagnostics
Classification: Uncertain significance. Last evaluated: 2024-07-11. Review status: criteria provided, single submitter. Criteria: Athena Diagnostics Criteria. Collection method: clinical testing. Allele origin: unknown.
Comment: Available data are insufficient to determine the clinical significance of the variant at this time. The frequency of this variant in the general population is uninformative in assessment of its pathogenicity. Polyphen and MutationTaster yielded discordant predictions regarding whether this amino acid change is damaging to the protein.

Mayo Clinic Laboratories, Mayo Clinic
Classification: Uncertain significance. Last evaluated: 2023-02-01. Review status: criteria provided, single submitter. Criteria: ACMG Guidelines, 2015. Collection method: clinical testing. Allele origin: germline. Observed: 1 variant allele.
Comment: PP3

Ambry Genetics
Classification: Uncertain significance for Inborn genetic diseases. Last evaluated: 2018-09-05. Review status: criteria provided, single submitter. Criteria: Ambry Variant Classification Scheme 2023. Collection method: clinical testing. Allele origin: germline.
Comment: The p.R823C variant (also known as c.2467C>T), located in coding exon 14 of the POLG gene, results from a C to T substitution at nucleotide position 2467. The arginine at codon 823 is replaced by cysteine, an amino acid with highly dissimilar properties. This amino acid position is highly conserved in available vertebrate species. In addition, this alteration is predicted to be deleterious by in silico analysis. Since supporting evidence is limited at this time, the clinical significance of this alteration remains unclear.

GeneDx
Classification: Uncertain significance. Last evaluated: 2015-12-31. Review status: criteria provided, single submitter. Criteria: GeneDx Variant Classification (06012015). Collection method: clinical testing. Allele origin: germline. Affected: yes.
Comment: The R823C variant has not been published as a pathogenic variant, nor has it been reported as a benign variant to our knowledge. It was not observed in approximately 6,500 individuals of European and African American ancestry in the NHLBI Exome Sequencing Project, indicating it is not a common benign variant in these populations. It is a non-conservative amino acid substitution, which is likely to impact secondary protein structure as these residues differ in polarity, charge, size and/or other properties. This substitution occurs at a position where amino acids with similar properties to Arginine are tolerated across species. In silico analysis is inconsistent in its predictions as to whether or not the variant is damaging to the protein structure/function. Therefore, based on the currently available information, it is unclear whether this variant is a pathogenic mutation or a rare benign variant.

Literature cited by the submitters: PubMed 28480171 (cited by Athena Diagnostics).

NM_002693.3(POLG):c.2467C>T (p.Arg823Cys)

Gene: POLG (DNA polymerase gamma, catalytic subunit; minus strand). Cytogenetic location: 15q26.1.
Variant type: single nucleotide variant.
Coding change: c.2467C>T on transcript NM_002693.3 (MANE Select); coding-DNA position 2467, C replaced by T.
Protein change: p.Arg823Cys; replaces arginine 823 with cysteine.
Molecular consequence: missense variant.
Genome position (GRCh38, 1-based): chr15:89,321,975, G>A on the plus strand (C>T on the coding strand, the complement: POLG is on the minus strand). VCF-style: chr15-89321975-G-A. GRCh37 (hg19) VCF-style: chr15-89865206-G-A.
Other names: p.R823C:CGT>TGT; p.Arg823Cys; c.2467C>T, p.Arg823Cys (NM_001126131.2); short protein forms R823C.
Identifiers: ClinVar variation 206524 (VCV000206524.14), dbSNP rs757835879, ClinGen allele CA316693.